The following is an entry in ClinVar:

ClinVar aggregate classification (germline): Likely benign (1 of 4 stars; one submission).

Submission:

GeneDx
Classification: Likely benign. Last evaluated: 2017-10-10. Review status: criteria provided, single submitter. Criteria: GeneDx Variant Classification (06012015). Collection method: clinical testing. Allele origin: germline. Affected: yes.
Comment: This variant is considered likely benign or benign based on one or more of the following criteria: it is a conservative change, it occurs at a poorly conserved position in the protein, it is predicted to be benign by multiple in silico algorithms, and/or has population frequency not consistent with disease.

NM_007294.4(BRCA1):c.442-9A>G

Gene: BRCA1 (BRCA1 DNA repair associated; minus strand). Cytogenetic location: 17q21.31.
Variant type: single nucleotide variant.
Coding change: c.442-9A>G on transcript NM_007294.4 (MANE Select); 9 bases into the intron before coding-DNA position 442, A replaced by G.
Molecular consequence: intron variant.
Genome position (GRCh38, 1-based): chr17:43,099,889, T>C on the plus strand (A>G on the coding strand, the complement: BRCA1 is on the minus strand). VCF-style: chr17-43099889-T-C. GRCh37 (hg19) VCF-style: chr17-41251906-T-C.
Other names: c.442-9A>G (NM_001407676.1, NM_001407863.1, NM_001407679.1 and 96 more transcripts); c.232-9A>G (NM_001408492.1, NM_001407889.1, NM_001408513.1 and 37 more transcripts); c.301-12A>G (NM_001408468.1, NM_001407842.1, NM_001407749.1 and 35 more transcripts); c.301-9A>G (NM_001408501.1, NM_001408455.1, NM_001407731.1 and 61 more transcripts); c.-218-5029A>G (NM_001407966.1, NM_001407967.1); c.61-9A>G (NM_001407963.1, NM_001407960.1, NM_001407965.1 and 3 more transcripts); c.232-12A>G (NM_001407899.1, NM_001407958.1, NM_001407955.1 and 18 more transcripts); c.442-12A>G (NM_001408495.1, NM_001408448.1, NM_001408421.1 and 65 more transcripts); and 5 more.
Identifiers: ClinVar variation 512654 (VCV000512654.2), dbSNP rs1555594999, ClinGen allele CA658798866.